The following is an entry in ClinVar:

ClinVar aggregate classification (germline): Likely benign. Review status: criteria provided, multiple submitters, no conflicts (2 of 4 stars). 4 submissions from 4 submitters: Likely benign (4). Last evaluated 2025-12-16.

Conditions:
TTN-related disorder. Also called: TTN-related condition; TTN-related disease; TTN-related disorders.
Cardiovascular phenotype. Identifiers: MedGen CN230736.
Autosomal recessive limb-girdle muscular dystrophy type 2J (LGMDR10). Also called: Limb-girdle muscular dystrophy, type 2J; MUSCULAR DYSTROPHY, LIMB-GIRDLE, AUTOSOMAL RECESSIVE 10. Identifiers: Orphanet 140922, MedGen C1837342, MONDO:0012127, OMIM 608807.
Dilated cardiomyopathy 1G (CMD1G). Identifiers: Orphanet 154, MedGen C1858763, MONDO:0011400, OMIM 604145.

Allele frequency attached by ClinVar (database versions not stated): gnomAD exomes 0.00004 and 0.00001; TOPMed 0.00004; ExAC 0.00005; gnomAD 0.00005 and 0.00006.
gnomAD v4.1: 27 of 1,613,284 alleles (0.0017%); highest among the groups gnomAD compares: Admixed American, 0.025%; no homozygotes.

Submissions (4):

PreventionGenetics, part of Exact Sciences
Classification: Likely benign for TTN-related condition. Last evaluated: 2025-12-16. Review status: criteria provided, single submitter. Criteria: ACMG Guidelines, 2015. Collection method: clinical testing. Allele origin: germline.
Comment: This variant is classified as likely benign based on ACMG/AMP sequence variant interpretation guidelines (Richards et al. 2015 PMID: 25741868, with internal and published modifications).

Labcorp Genetics (formerly Invitae), Labcorp
Classification: Likely benign for Dilated cardiomyopathy 1G; Autosomal recessive limb-girdle muscular dystrophy type 2J. Last evaluated: 2025-07-17. Review status: criteria provided, single submitter. Criteria: Invitae Variant Classification Sherloc (09022015). Collection method: clinical testing. Allele origin: germline.

Ambry Genetics
Classification: Likely benign for Cardiovascular phenotype. Last evaluated: 2023-10-20. Review status: criteria provided, single submitter. Criteria: Ambry Variant Classification Scheme 2023. Collection method: clinical testing. Allele origin: germline.

GeneDx
Classification: Likely benign. Last evaluated: 2018-10-24. Review status: criteria provided, single submitter. Criteria: GeneDx Variant Classification Process June 2021. Collection method: clinical testing. Allele origin: germline. Affected: yes.

NM_001267550.2(TTN):c.70851A>G (p.Arg23617=)

Genes: TTN (titin; minus strand), TTN-AS1 (TTN antisense RNA 1; plus strand). Cytogenetic location: 2q31.2.
Variant type: single nucleotide variant.
Coding change: c.70851A>G on transcript NM_001267550.2 (MANE Select); coding-DNA position 70851, A replaced by G.
Protein change: p.Arg23617=; no amino-acid change (arginine 23617 retained).
Molecular consequence: synonymous variant.
Genome position (GRCh38, 1-based): chr2:178,575,281, T>C on the plus strand (A>G on the coding strand, the complement: TTN is on the minus strand). VCF-style: chr2-178575281-T-C. GRCh37 (hg19) VCF-style: chr2-179440008-T-C.
Other names: c.65928A>G, p.Arg21976= (NM_001256850.1); c.43656A>G, p.Arg14552= (NM_003319.4); c.63147A>G, p.Arg21049= (NM_133378.4); c.44031A>G, p.Arg14677= (NM_133432.3); c.44232A>G, p.Arg14744= (NM_133437.4).
Identifiers: ClinVar variation 511890 (VCV000511890.13), dbSNP rs753207751, ClinGen allele CA1990715.